The following is an entry in ClinVar:

ClinVar aggregate classification (germline): Uncertain significance. Review status: criteria provided, multiple submitters, no conflicts (2 of 4 stars). 3 submissions from 3 submitters: Uncertain significance (3). Last evaluated 2024-05-29.

Conditions:
Inborn genetic diseases. Identifiers: MedGen C0950123, MeSH D030342.

Submissions (3):

Labcorp Genetics (formerly Invitae), Labcorp
Classification: Uncertain significance. Last evaluated: 2024-05-29. Review status: criteria provided, single submitter. Criteria: Invitae Variant Classification Sherloc (09022015). Collection method: clinical testing. Allele origin: germline.
Comment: This sequence change replaces arginine, which is basic and polar, with proline, which is neutral and non-polar, at codon 944 of the GRIN2D protein (p.Arg944Pro). The frequency data for this variant in the population databases is considered unreliable, as metrics indicate insufficient coverage at this position in the gnomAD database. This variant has not been reported in the literature in individuals affected with GRIN2D-related conditions. Advanced modeling of protein sequence and biophysical properties (such as structural, functional, and spatial information, amino acid conservation, physicochemical variation, residue mobility, and thermodynamic stability) performed at Invitae indicates that this missense variant is not expected to disrupt GRIN2D protein function with a negative predictive value of 95%. In summary, the available evidence is currently insufficient to determine the role of this variant in disease. Therefore, it has been classified as a Variant of Uncertain Significance.

Ambry Genetics
Classification: Uncertain significance for Inborn genetic diseases. Last evaluated: 2023-09-20. Review status: criteria provided, single submitter. Criteria: Ambry Variant Classification Scheme 2023. Collection method: clinical testing. Allele origin: germline.

GeneDx
Classification: Uncertain significance. Last evaluated: 2023-06-12. Review status: criteria provided, single submitter. Criteria: GeneDx Variant Classification Process June 2021. Collection method: clinical testing. Allele origin: germline. Affected: yes.
Comment: Not observed at significant frequency in large population cohorts (gnomAD); In silico analysis supports that this missense variant does not alter protein structure/function; Has not been previously published as pathogenic or benign to our knowledge

NM_000836.4(GRIN2D):c.2831G>C (p.Arg944Pro)

Gene: GRIN2D (glutamate ionotropic receptor NMDA type subunit 2D; plus strand). Cytogenetic location: 19q13.33.
Variant type: single nucleotide variant.
Coding change: c.2831G>C on transcript NM_000836.4 (MANE Select); coding-DNA position 2831, G replaced by C.
Protein change: p.Arg944Pro; replaces arginine 944 with proline.
Molecular consequence: missense variant.
Genome position (GRCh38, 1-based): chr19:48,442,757, G>C. VCF-style: chr19-48442757-G-C. GRCh37 (hg19) VCF-style: chr19-48946014-G-C.
Other names: short protein forms R944P.
Identifiers: ClinVar variation 3102501 (VCV003102501.4), dbSNP rs2513691919, ClinGen allele CA406673891.